The following is an entry in ClinVar:

NM_013275.6(ANKRD11):c.2074G>A (p.Asp692Asn)

Gene: ANKRD11 (ankyrin repeat domain 11; minus strand). Cytogenetic location: 16q24.3.
Variant type: single nucleotide variant.
Coding change: c.2074G>A on transcript NM_013275.6 (MANE Select); coding-DNA position 2074, G replaced by A.
Protein change: p.Asp692Asn; replaces aspartic acid 692 with asparagine.
Molecular consequence: missense variant.
Genome position (GRCh38, 1-based): chr16:89,284,468, C>T on the plus strand (G>A on the coding strand, the complement: ANKRD11 is on the minus strand). VCF-style: chr16-89284468-C-T. GRCh37 (hg19) VCF-style: chr16-89350876-C-T.
Other names: c.2074G>A, p.Asp692Asn (NM_001256182.2, NM_001256183.2); c.2074G>A (NM_013275.4); short protein forms D692N.
Identifiers: ClinVar variation 2050124 (VCV002050124.5), dbSNP rs149939914, ClinGen allele CA8242636.

ClinVar aggregate classification (germline): Uncertain significance. Review status: criteria provided, multiple submitters, no conflicts (2 of 4 stars). 2 submissions from 2 submitters: Uncertain significance (2). Last evaluated 2023-10-16.

Conditions:
Inborn genetic diseases. Identifiers: MedGen C0950123, MeSH D030342.
KBG syndrome (KBGS). Also called: ANKRD11-Related KBG Syndrome. Identifiers: Orphanet 2332, MedGen C0220687, MONDO:0007846, OMIM 148050.

Allele frequency attached by ClinVar (database versions not stated): gnomAD exomes 0.00001; TOPMed 0.00001; ExAC 0.00002; ESP Exome Variant Server 0.00008.
gnomAD v4.1: 9 of 1,613,940 alleles (0.00056%); highest among the groups gnomAD compares: Admixed American, 0.005%; no homozygotes.

Submissions (2):

Ambry Genetics
Classification: Uncertain significance for Inborn genetic diseases. Last evaluated: 2023-10-16. Review status: criteria provided, single submitter. Criteria: Ambry Variant Classification Scheme 2023. Collection method: clinical testing. Allele origin: germline.

Labcorp Genetics (formerly Invitae), Labcorp
Classification: Uncertain significance for KBG syndrome. Last evaluated: 2022-08-12. Review status: criteria provided, single submitter. Criteria: Invitae Variant Classification Sherloc (09022015). Collection method: clinical testing. Allele origin: germline.
Comment: In summary, the available evidence is currently insufficient to determine the role of this variant in disease. Therefore, it has been classified as a Variant of Uncertain Significance. Advanced modeling of protein sequence and biophysical properties (such as structural, functional, and spatial information, amino acid conservation, physicochemical variation, residue mobility, and thermodynamic stability) performed at Invitae indicates that this missense variant is not expected to disrupt ANKRD11 protein function. This variant is present in population databases (rs149939914, gnomAD 0.006%). This variant has not been reported in the literature in individuals affected with ANKRD11-related conditions. This sequence change replaces aspartic acid, which is acidic and polar, with asparagine, which is neutral and polar, at codon 692 of the ANKRD11 protein (p.Asp692Asn).